The following is an entry in ClinVar:

ClinVar aggregate classification (germline): Uncertain significance. Review status: criteria provided, multiple submitters, no conflicts (2 of 4 stars). 3 submissions from 3 submitters: Uncertain significance (3). Last evaluated 2024-07-24.

Conditions:
Migraine, familial hemiplegic, 3. Identifiers: Orphanet 569, MedGen C1864987, MONDO:0012320, OMIM 609634.
Generalized epilepsy with febrile seizures plus, type 2 (GEFSP2). Also called: GEFS+, TYPE 2. Identifiers: Orphanet 36387, MedGen C1858673, MONDO:0011461, OMIM 604403.
Developmental and epileptic encephalopathy 6B. Also called: Developmental and epileptic encephalopathy 6B, non-Dravet. Identifiers: MedGen C5543353, MONDO:0030268, OMIM 619317.
Severe myoclonic epilepsy in infancy (DRVT). Also called: DEVELOPMENTAL AND EPILEPTIC ENCEPHALOPATHY 6A; Severe Myoclonic Epilepsy in Infancy (SMEI); SEVERE MYOCLONIC EPILEPSY OF INFANCY; Dravet syndrome; Epileptic encephalopathy, early infantile, 6 (Dravet syndrome). Identifiers: Orphanet 33069, MedGen C0751122, MONDO:0100135, OMIM 607208.
Early-infantile DEE. Also called: Early infantile epileptic encephalopathy with suppression bursts; Early infantile epileptic encephalopathy; Ohtahara syndrome. Identifiers: Orphanet 1934, MedGen C0393706, MONDO:0800491.

Submissions (3):

GeneDx
Classification: Uncertain significance. Last evaluated: 2024-07-24. Review status: criteria provided, single submitter. Criteria: GeneDx Variant Classification Process June 2021. Collection method: clinical testing. Allele origin: germline. Affected: yes.
Comment: Not observed at significant frequency in large population cohorts (gnomAD); In silico analysis supports a deleterious effect on splicing; Has not been previously published as pathogenic or benign to our knowledge

Labcorp Genetics (formerly Invitae), Labcorp
Classification: Uncertain significance for Early-infantile DEE. Last evaluated: 2020-03-16. Review status: criteria provided, single submitter. Criteria: Invitae Variant Classification Sherloc (09022015). Collection method: clinical testing. Allele origin: germline.
Comment: In summary, the available evidence is currently insufficient to determine the role of this variant in disease. Therefore, it has been classified as a Variant of Uncertain Significance. This variant disrupts the c.1170+5G>A nucleotide in the SCN1A gene. Other variant(s) that disrupt this nucleotide have been determined to be pathogenic (Invitae). This suggests that this nucleotide is clinically-significant, and that variants that disrupt this position are likely to be disease-causing. Nucleotide substitutions within the consensus splice site are a relatively common cause of aberrant splicing (PMID: 17576681, 9536098). Algorithms developed to predict the effect of sequence changes on RNA splicing suggest that this variant may disrupt the consensus splice site, but this prediction has not been confirmed by published transcriptional studies. This variant has been observed in one or more individuals who were not affected with SCN1A-related conditions (Invitae). This variant is not present in population databases (ExAC no frequency). This sequence change falls in intron 8 of the SCN1A gene. It does not directly change the encoded amino acid sequence of the SCN1A protein, but it affects a nucleotide within the consensus splice site of the intron.

Juno Genomics, Hangzhou Juno Genomics, Inc
Classification: Uncertain significance for Developmental and epileptic encephalopathy 6B; Severe myoclonic epilepsy in infancy; Generalized epilepsy with febrile seizures plus, type 2; Migraine, familial hemiplegic, 3. Review status: criteria provided, single submitter. Criteria: ACMG Guidelines, 2015. Collection method: clinical testing. Allele origin: germline. Affected: yes.
Comment: Absent from controls (or at extremely low frequency if recessive) in Genome Aggregation Database, Exome Sequencing Project, 1000 Genomes Project, or Exome Aggregation Consortium.;Multiple lines of computational evidence support a deleterious effect on the gene or gene product (conservation, evolutionary, splicing impact, etc).;De novo (both maternity and paternity confirmed) in a patient with the disease and no family history.

Literature cited by the submitters: PubMed 17576681 (cited by Labcorp Genetics (formerly Invitae), Labcorp); PubMed 9536098 (cited by Labcorp Genetics (formerly Invitae), Labcorp).

NM_001165963.4(SCN1A):c.1170+5G>T

Gene: SCN1A (sodium voltage-gated channel alpha subunit 1; minus strand). Cytogenetic location: 2q24.3.
Variant type: single nucleotide variant.
Coding change: c.1170+5G>T on transcript NM_001165963.4 (MANE Select); 5 bases into the intron after coding-DNA position 1170, G replaced by T.
Molecular consequence: intron variant.
Genome position (GRCh38, 1-based): chr2:166,047,622, C>A on the plus strand (G>T on the coding strand, the complement: SCN1A is on the minus strand). VCF-style: chr2-166047622-C-A. GRCh37 (hg19) VCF-style: chr2-166904132-C-A.
Other names: c.1170+5G>T (NM_001353949.2, NM_001353958.2, NM_001353950.2 and 10 more transcripts); c.-1256+5G>T (NM_001353961.2).
Identifiers: ClinVar variation 851265 (VCV000851265.13), dbSNP rs1057524737, ClinGen allele CA916082248.